The following is an entry in ClinVar:

ClinVar aggregate classification (germline): Uncertain significance. Review status: reviewed by expert panel (3 of 4 stars). 2 submissions from 2 submitters: Uncertain significance (1). 1 of the submissions does not count toward it. Last evaluated 2024-08-20.

Conditions:
Glanzmann thrombasthenia. Also called: THROMBASTHENIA OF GLANZMANN AND NAEGELI; BLEEDING DISORDER, PLATELET-TYPE, 2; Thrombasthenia; PLATELET GLYCOPROTEIN IIb-IIIa DEFICIENCY; Glanzmann's thrombasthenia. Identifiers: Orphanet 849, MedGen C0040015, MONDO:0100326.

Allele frequency attached by ClinVar (database versions not stated): gnomAD exomes below 0.00001; ExAC 0.00001.
gnomAD v4.1: 1 of 1,613,888 alleles (0.000062%); highest among the groups gnomAD compares: South Asian, 0.0011%; no homozygotes.

Submissions (2):

ClinGen Platelet Disorders Variant Curation Expert Panel, ClinGen
Classification: Uncertain significance for Glanzmann thrombasthenia. Last evaluated: 2024-08-20. Review status: reviewed by expert panel. Criteria: ClinGen Platelet ACMG Specifications v2-1. Collection method: curation. Allele origin: germline. Inheritance: Autosomal recessive inheritance.
Comment: The ITGB3 intronic variant NM_000212.3:c.166-14C>A is not predicted by in silico tools to have an impact on splicing and is not highly conserved (BP7). This variant has been observed in homozygosity (PM3_supporting) in one individual with a phenotype specific for Glanzmann's thrombasthenia (GT) (GT03, PMID: 16463284). All requirements for PP4_Moderate are met (GT03 in PMID: 16463284): history of bleeding and impaired aggregation to at least two agonists, but normal or only mildly reduced agglutination with ristocetin. This variant is rare in population databases (1/91018 alleles in the South Asian population in gnomAD v4.1.0; PM2_Supporting). In summary, this variant is of uncertain significance and lacks sufficient evidence to be classified as pathogenic or benign for GT. GT-specific criteria applied: PP4_Moderate, PM2_Supporting, PM3_Supporting, and BP7.

Labcorp Genetics (formerly Invitae), Labcorp
Classification: Likely benign. Last evaluated: 2023-10-06. Review status: criteria provided, single submitter. Criteria: Invitae Variant Classification Sherloc (09022015). Collection method: clinical testing. Allele origin: germline. Not counted in ClinVar's aggregate classification.

NM_000212.3(ITGB3):c.166-14C>A

Gene: ITGB3 (integrin subunit beta 3; plus strand). Cytogenetic location: 17q21.32.
Variant type: single nucleotide variant.
Coding change: c.166-14C>A on transcript NM_000212.3 (MANE Select); 14 bases into the intron before coding-DNA position 166, C replaced by A.
Molecular consequence: intron variant.
Genome position (GRCh38, 1-based): chr17:47,283,340, C>A. VCF-style: chr17-47283340-C-A. GRCh37 (hg19) VCF-style: chr17-45360706-C-A.
Other names: NM_000212.3:c.166-14C>A.
Identifiers: ClinVar variation 1330326 (VCV001330326.5), dbSNP rs749373796, ClinGen allele CA8622881.
Genomic context (GRCh38, chr17:47,283,340, plus strand): 5'-GGTAGGGCCTGCAGGAGGTAGAGAGTCGCCATAGCTCTGATTGCTGGACTTCTCTTTGGG[C>A]TCCTGTCTTACAGGCCCTGCCTCTGGGCTCACCTCGCTGTGACCTGAAGGAGAATCTGCT-3'